The following is an entry in ClinVar:

ClinVar aggregate classification (germline): Uncertain significance (1 of 4 stars; one submission).

Conditions:
RASopathy. Also called: rasopathies; Noonan spectrum disorder. Identifiers: Orphanet 536391, MedGen C5555857, MONDO:0021060.

Submission:

Labcorp Genetics (formerly Invitae), Labcorp
Classification: Uncertain significance for RASopathy. Last evaluated: 2025-12-08. Review status: criteria provided, single submitter. Criteria: Invitae Variant Classification Sherloc (09022015). Collection method: clinical testing. Allele origin: germline.
Comment: This sequence change replaces valine, which is neutral and non-polar, with leucine, which is neutral and non-polar, at codon 363 of the RAF1 protein (p.Val363Leu). This variant is not present in population databases (gnomAD no frequency). This variant has not been reported in the literature in individuals affected with RAF1-related conditions. Invitae Evidence Modeling of protein sequence and biophysical properties (such as structural, functional, and spatial information, amino acid conservation, physicochemical variation, residue mobility, and thermodynamic stability) indicates that this missense variant is expected to disrupt RAF1 protein function with a positive predictive value of 95%. In summary, the available evidence is currently insufficient to determine the role of this variant in disease. Therefore, it has been classified as a Variant of Uncertain Significance.

NM_002880.4(RAF1):c.1087G>C (p.Val363Leu)

Gene: RAF1 (Raf-1 proto-oncogene, serine/threonine kinase; minus strand). Cytogenetic location: 3p25.2.
Variant type: single nucleotide variant.
Coding change: c.1087G>C on transcript NM_002880.4 (MANE Select); coding-DNA position 1087, G replaced by C.
Protein change: p.Val363Leu; replaces valine 363 with leucine.
Molecular consequence: missense variant. On other transcripts: non-coding transcript variant (3).
Genome position (GRCh38, 1-based): chr3:12,599,712, C>G on the plus strand (G>C on the coding strand, the complement: RAF1 is on the minus strand). VCF-style: chr3-12599712-C-G. GRCh37 (hg19) VCF-style: chr3-12641211-C-G.
Other names: c.1147G>C, p.Val383Leu (NM_001354689.3); c.1087G>C, p.Val363Leu (NM_001354690.3); c.844G>C, p.Val282Leu (NM_001354691.3, NM_001354692.3); c.988G>C, p.Val330Leu (NM_001354693.3); c.904G>C, p.Val302Leu (NM_001354694.3); c.745G>C, p.Val249Leu (NM_001354695.3); short protein forms V249L, V282L, V302L, V330L, V363L, V383L.
Identifiers: ClinVar variation 4801592 (VCV004801592.1).
Genomic context (GRCh38, chr3:12,599,712, plus strand): 5'-AAAGCCCTGCAGTTAGTAAAGGGAGGGCCCCAAGCTTACCGTGCCATTTACCCTTATAAA[C>G]AGTTCCAAAAGAGCCTGACCCAATCCGAGTGGACAGCATCACTTCACTGGCTTCTATTTC-3'
Protein context (NP_002871.1, residues 353-373): TRIGSGSFGT[Val363Leu]YKGKWHGDVA